The following is an entry in ClinVar:

NM_023077.3(COA7):c.577A>G (p.Met193Val)

Gene: COA7 (cytochrome c oxidase assembly factor 7; minus strand). Cytogenetic location: 1p32.3.
Variant type: single nucleotide variant.
Coding change: c.577A>G on transcript NM_023077.3 (MANE Select); coding-DNA position 577, A replaced by G.
Protein change: p.Met193Val; replaces methionine 193 with valine.
Molecular consequence: missense variant.
Genome position (GRCh38, 1-based): chr1:52,687,839, T>C on the plus strand (A>G on the coding strand, the complement: COA7 is on the minus strand). VCF-style: chr1-52687839-T-C. GRCh37 (hg19) VCF-style: chr1-53153511-T-C.
Other names: short protein forms M193V.
Identifiers: ClinVar variation 2011614 (VCV002011614.4), dbSNP rs2524534589, ClinGen allele CA340361942.
Genomic context (GRCh38, chr1:52,687,839, plus strand): 5'-GATTTTTTAGCACCTCGGCCTTGGCCTCATCCTTATCAACACCATCCCCCAGCTTGTACA[T>C]GCGACTGGCATTGGCACAGGCCCAGATATGACCCAGGTCACAGGCTTTCATGGAGTATTT-3'
Protein context (NP_075565.2, residues 183-203): HIWACANASR[Met193Val]YKLGDGVDKD

ClinVar aggregate classification (germline): Uncertain significance (1 of 4 stars; one submission).

Submission:

Labcorp Genetics (formerly Invitae), Labcorp
Classification: Uncertain significance. Last evaluated: 2023-03-11. Review status: criteria provided, single submitter. Criteria: Invitae Variant Classification Sherloc (09022015). Collection method: clinical testing. Allele origin: germline.
Comment: An algorithm developed to predict the effect of missense changes on protein structure and function (PolyPhen-2) suggests that this variant is likely to be disruptive. This sequence change replaces methionine, which is neutral and non-polar, with valine, which is neutral and non-polar, at codon 193 of the COA7 protein (p.Met193Val). This variant is not present in population databases (gnomAD no frequency). This variant has not been reported in the literature in individuals affected with COA7-related conditions. ClinVar contains an entry for this variant (Variation ID: 2011614). In summary, the available evidence is currently insufficient to determine the role of this variant in disease. Therefore, it has been classified as a Variant of Uncertain Significance.